The following is an entry in ClinVar:

NM_006231.4(POLE):c.4655C>A (p.Thr1552Asn)

Gene: POLE (DNA polymerase epsilon, catalytic subunit; minus strand). Cytogenetic location: 12q24.33.
Variant type: single nucleotide variant.
Coding change: c.4655C>A on transcript NM_006231.4 (MANE Select); coding-DNA position 4655, C replaced by A.
Protein change: p.Thr1552Asn; replaces threonine 1552 with asparagine.
Molecular consequence: missense variant.
Genome position (GRCh38, 1-based): chr12:132,642,893, G>T on the plus strand (C>A on the coding strand, the complement: POLE is on the minus strand). VCF-style: chr12-132642893-G-T. GRCh37 (hg19) VCF-style: chr12-133219479-G-T.
Other names: short protein forms T1552N.
Identifiers: ClinVar variation 1742201 (VCV001742201.3), dbSNP rs2138540530, ClinGen allele CA387378980.

ClinVar aggregate classification (germline): Uncertain significance (1 of 4 stars; one submission).

Conditions:
Hereditary cancer-predisposing syndrome. Also called: Hereditary Cancer Syndrome; Hereditary neoplastic syndrome; Neoplastic Syndromes, Hereditary; Tumor predisposition. Identifiers: Orphanet 140162, MedGen C0027672, MeSH D009386, MONDO:0015356.

Submission:

Ambry Genetics
Classification: Uncertain significance for Hereditary cancer-predisposing syndrome. Last evaluated: 2025-06-30. Review status: criteria provided, single submitter. Criteria: Ambry Variant Classification Scheme 2023. Collection method: clinical testing. Allele origin: germline.
Comment: The p.T1552N variant (also known as c.4655C>A), located in coding exon 36 of the POLE gene, results from a C to A substitution at nucleotide position 4655. The threonine at codon 1552 is replaced by asparagine, an amino acid with similar properties. This amino acid position is conserved. In addition, this alteration is predicted to be tolerated by in silico analysis. Since supporting evidence is limited at this time, the clinical significance of this alteration remains unclear.